The following is an entry in ClinVar:

ClinVar aggregate classification (germline): Likely benign. Review status: criteria provided, single submitter (1 of 4 stars). 2 submissions from 2 submitters: Likely benign (1). 1 of the submissions does not count toward it. Last evaluated 2024-03-14.

Conditions:
DYRK1B-related disorder. Also called: DYRK1B-related condition.

gnomAD v4.1: 6 of 1,533,078 alleles (0.00039%); highest among the groups gnomAD compares: Non-Finnish European, 0.00053%; no homozygotes.

Submissions (2):

Labcorp Genetics (formerly Invitae), Labcorp
Classification: Likely benign. Last evaluated: 2024-03-14. Review status: criteria provided, single submitter. Criteria: Invitae Variant Classification Sherloc (09022015). Collection method: clinical testing. Allele origin: germline.

PreventionGenetics, part of Exact Sciences
Classification: Likely benign for DYRK1B-related condition. Last evaluated: 2024-09-12. Review status: no assertion criteria provided. Collection method: clinical testing. Allele origin: germline. Not counted in ClinVar's aggregate classification.
Comment: This variant is classified as likely benign based on ACMG/AMP sequence variant interpretation guidelines (Richards et al. 2015 PMID: 25741868, with internal and published modifications).

NM_004714.3(DYRK1B):c.21T>C (p.His7=)

Gene: DYRK1B (dual specificity tyrosine phosphorylation regulated kinase 1B; minus strand). Cytogenetic location: 19q13.2.
Variant type: single nucleotide variant.
Coding change: c.21T>C on transcript NM_004714.3 (MANE Select); coding-DNA position 21, T replaced by C.
Protein change: p.His7=; no amino-acid change (histidine 7 retained).
Molecular consequence: synonymous variant.
Genome position (GRCh38, 1-based): chr19:39,831,847, A>G on the plus strand (T>C on the coding strand, the complement: DYRK1B is on the minus strand). VCF-style: chr19-39831847-A-G. GRCh37 (hg19) VCF-style: chr19-40322487-A-G.
Other names: c.21T>C, p.His7= (NM_006483.3, NM_006484.3).
Identifiers: ClinVar variation 3356036 (VCV003356036.3).